The following is an entry in ClinVar:

ClinVar aggregate classification (germline): Uncertain significance (1 of 4 stars; one submission).

Submission:

Dasa
Classification: Uncertain significance. Last evaluated: 2026-08-11. Review status: criteria provided, single submitter. Criteria: DASA Assertion Criteria. Collection method: clinical testing. Allele origin: germline.
Comment: NM_001080421.3(UNC13A):c.2660A>G (p.Lys887Arg) is a missense variant that results in the substitution of lysine with arginine. This variant is absent from population databases. The currently available literature and clinical evidence are not sufficient to establish a definitive association between this variant and the reported condition. Therefore, this variant is classified as a variant of uncertain significance.

NM_001080421.3(UNC13A):c.2660A>G (p.Lys887Arg)

Gene: UNC13A (unc-13 homolog A; minus strand). Cytogenetic location: 19p13.11.
Variant type: single nucleotide variant.
Coding change: c.2660A>G on transcript NM_001080421.3 (MANE Select); coding-DNA position 2660, A replaced by G.
Protein change: p.Lys887Arg; replaces lysine 887 with arginine.
Molecular consequence: missense variant.
Genome position (GRCh38, 1-based): chr19:17,640,638, T>C on the plus strand (A>G on the coding strand, the complement: UNC13A is on the minus strand). VCF-style: chr19-17640638-T-C. GRCh37 (hg19) VCF-style: chr19-17751447-T-C.
Other names: c.2654A>G, p.Lys885Arg (NM_001387021.1, NM_001387022.1, NM_001387023.1); short protein forms K885R, K887R.
Identifiers: ClinVar variation 5020211 (VCV005020211.1).
Genomic context (GRCh38, chr19:17,640,638, plus strand): 5'-TAGGCATTGATGTTGGCGAGCAGGGTGCTCATGACGGCAGGCACCCCTGGGCACATATAC[T>C]TGGAGGAGAGGCAGGCAAAGTGGCTGGAGAGAGGGAGCAGGAGGCACTAGGCCAGGGGTC-3'
Protein context (NP_001073890.2, residues 877-897): AMTHFACLSS[Lys887Arg]YMCPGVPAVM